The following is an entry in ClinVar:

NM_001267550.2(TTN):c.103124AAG[1] (p.Glu34376del)

Genes: TTN (titin; minus strand), TTN-AS1 (TTN antisense RNA 1; plus strand). Cytogenetic location: 2q31.2.
Variant type: Microsatellite.
Coding change: c.103124AAG[1] on transcript NM_001267550.2 (MANE Select); one copy of the 3-base unit AAG starting at c.103124; the reference has two copies in a row; one copy, 3 bases deleted.
Protein change: p.Glu34376del; deletes glutamic acid 34376.
Molecular consequence: inframe deletion.
Genome position (GRCh38, 1-based): chr2:178,533,486-178,533,488, CTT deleted on the plus strand (AAG on the coding strand, the reverse complement: TTN is on the minus strand); deleting any 3 consecutive bases within chr2:178,533,486-178,533,491 gives the same sequence; the position shown is the placement nearest the transcript's 3' end. VCF-style (leftmost placement, unchanged base first): chr2-178533485-CCTT-C. GRCh37 (hg19) VCF-style: chr2-179398212-CCTT-C.
Other names: c.98201AAG[1], p.Glu32735del (NM_001256850.1); c.75929AAG[1], p.Glu25311del (NM_003319.4); c.95420AAG[1], p.Glu31808del (NM_133378.4); c.76304AAG[1], p.Glu25436del (NM_133432.3); c.76505AAG[1], p.Glu25503del (NM_133437.4); short protein forms E25311del, E25436del, E25503del, E31808del, E32735del, E34376del.
Identifiers: ClinVar variation 3749003 (VCV003749003.2).

ClinVar aggregate classification (germline): Uncertain significance (1 of 4 stars; one submission).

Conditions:
Dilated cardiomyopathy 1G (CMD1G). Identifiers: Orphanet 154, MedGen C1858763, MONDO:0011400, OMIM 604145.
Autosomal recessive limb-girdle muscular dystrophy type 2J (LGMDR10). Also called: Limb-girdle muscular dystrophy, type 2J; MUSCULAR DYSTROPHY, LIMB-GIRDLE, AUTOSOMAL RECESSIVE 10. Identifiers: Orphanet 140922, MedGen C1837342, MONDO:0012127, OMIM 608807.

Submission:

Labcorp Genetics (formerly Invitae), Labcorp
Classification: Uncertain significance for Dilated cardiomyopathy 1G; Autosomal recessive limb-girdle muscular dystrophy type 2J. Last evaluated: 2024-02-29. Review status: criteria provided, single submitter. Criteria: Invitae Variant Classification Sherloc (09022015). Collection method: clinical testing. Allele origin: germline.
Comment: This variant, c.103127_103129del, results in the deletion of 1 amino acid(s) of the TTN protein (p.Glu34376del), but otherwise preserves the integrity of the reading frame. This variant is present in population databases (no rsID available, gnomAD 0.0009%). This variant has not been reported in the literature in individuals affected with TTN-related conditions. Experimental studies and prediction algorithms are not available or were not evaluated, and the functional significance of this variant is currently unknown. This variant is located in the M band of TTN (PMID: 25589632). Non-truncating variants in this region may be relevant for neuromuscular disorders, but have not been definitively shown to cause cardiomyopathy (PMID: 23975875). In summary, the available evidence is currently insufficient to determine the role of this variant in disease. Therefore, it has been classified as a Variant of Uncertain Significance.

Literature cited by the submitters: PubMed 25589632; PubMed 23975875.